The following is an entry in ClinVar:

ClinVar aggregate classification (germline): Uncertain significance (1 of 4 stars; one submission).

Allele frequency attached by ClinVar (database versions not stated): TOPMed below 0.00001; gnomAD exomes 0.00003.

Submission:

Ambry Genetics
Classification: Uncertain significance. Last evaluated: 2025-11-06. Review status: criteria provided, single submitter. Criteria: Ambry Variant Classification Scheme 2023. Collection method: clinical testing. Allele origin: germline.
Comment: The c.200A>G (p.E67G) alteration is located in exon 1 (coding exon 1) of the ATXN3L gene. This alteration results from a A to G substitution at nucleotide position 200, causing the glutamic acid (E) at amino acid position 67 to be replaced by a glycine (G). Based on data from gnomAD, the G allele has an overall frequency of <0.001% (1/182682) total alleles studied. The highest observed frequency was 0.001% (1/81415) of European (non-Finnish) alleles. Based on insufficient or conflicting evidence, the clinical significance of this alteration remains unclear.

NM_001135995.2(ATXN3L):c.200A>G (p.Glu67Gly)

Genes: ATXN3L (ataxin 3 like; minus strand), GS1-600G8.3 (unknown transcript; plus strand). Cytogenetic location: Xp22.2.
Variant type: single nucleotide variant.
Coding change: c.200A>G on transcript NM_001135995.2 (MANE Select); coding-DNA position 200, A replaced by G.
Protein change: p.Glu67Gly; replaces glutamic acid 67 with glycine.
Molecular consequence: missense variant. On other transcripts: non-coding transcript variant (1).
Genome position (GRCh38, 1-based): chrX:13,319,735, T>C on the plus strand (A>G on the coding strand, the complement: ATXN3L is on the minus strand). VCF-style: chrX-13319735-T-C. GRCh37 (hg19) VCF-style: chrX-13337854-T-C.
Other names: c.200A>G, p.Glu67Gly (NM_001387036.1); short protein forms E67G.
Identifiers: ClinVar variation 2280114 (VCV002280114.3), dbSNP rs1461948087, ClinGen allele CA412423696.